The following is an entry in ClinVar:

NM_001370466.1(NOD2):c.841C>T (p.Leu281Phe)

Gene: NOD2 (nucleotide binding oligomerization domain containing 2; plus strand). Cytogenetic location: 16q12.1.
Variant type: single nucleotide variant.
Coding change: c.841C>T on transcript NM_001370466.1 (MANE Select); coding-DNA position 841, C replaced by T.
Protein change: p.Leu281Phe; replaces leucine 281 with phenylalanine.
Molecular consequence: missense variant. On other transcripts: non-coding transcript variant (1).
Genome position (GRCh38, 1-based): chr16:50,710,833, C>T. VCF-style: chr16-50710833-C-T. GRCh37 (hg19) VCF-style: chr16-50744744-C-T.
Other names: c.841C>T, p.Leu281Phe (NM_001293557.2); c.922C>T, p.Leu308Phe (NM_022162.3); short protein forms L281F, L308F.
Identifiers: ClinVar variation 845687 (VCV000845687.11), dbSNP rs1267341301, ClinGen allele CA395867851.

ClinVar aggregate classification (germline): Uncertain significance. Review status: criteria provided, multiple submitters, no conflicts (2 of 4 stars). 2 submissions from 2 submitters: Uncertain significance (2). Last evaluated 2026-02-06.

Conditions:
Regional enteritis. Also called: Enteritis, Granulomatous. Identifiers: MedGen C0678202, MeSH D003424.
Blau syndrome (BLAUS). Also called: ARTHROCUTANEOUVEAL GRANULOMATOSIS; GRANULOMATOSIS, FAMILIAL JUVENILE SYSTEMIC; GRANULOMATOSIS, FAMILIAL, BLAU TYPE; GRANULOMATOUS INFLAMMATORY ARTHRITIS, DERMATITIS, AND UVEITIS, FAMILIAL; JABS SYNDROME. Identifiers: Orphanet 90340, MedGen C5201146, MONDO:0008523, OMIM 186580.

Allele frequency attached by ClinVar (database versions not stated): TOPMed below 0.00001; gnomAD 0.00001; gnomAD exomes 0.00001.
gnomAD v4.1: 7 of 1,614,114 alleles (0.00043%); highest among the groups gnomAD compares: South Asian, 0.0011%; no homozygotes.

Submissions (2):

Women's Health and Genetics/Laboratory Corporation of America, LabCorp
Classification: Uncertain significance. Last evaluated: 2026-02-06. Review status: criteria provided, single submitter. Criteria: LabCorp Variant Classification Summary - May 2015. Collection method: clinical testing. Allele origin: germline.
Comment: Variant summary: NOD2 c.922C>T (p.Leu308Phe) results in a non-conservative amino acid change located in the NACHT nucleoside triphosphatase domain (IPR007111) of the encoded protein sequence. Algorithms developed to predict the effect of missense changes on protein structure and function all suggest that this variant is likely to be disruptive. The variant allele was found at a frequency of 4.4e-06 in 1607140 control chromosomes (gnomAD v4.1). The available data on variant occurrences in the general population are insufficient to allow any conclusion about variant significance. To our knowledge, no occurrence of c.922C>T in individuals affected with NOD2-related conditions and no experimental evidence demonstrating its impact on protein function have been reported. ClinVar contains an entry for this variant (Variation ID: 845687). Based on the evidence outlined above, the variant was classified as uncertain significance.

Labcorp Genetics (formerly Invitae), Labcorp
Classification: Uncertain significance for Regional enteritis; Blau syndrome. Last evaluated: 2022-11-16. Review status: criteria provided, single submitter. Criteria: Invitae Variant Classification Sherloc (09022015). Collection method: clinical testing. Allele origin: germline.
Comment: This variant is not present in population databases (gnomAD no frequency). ClinVar contains an entry for this variant (Variation ID: 845687). This variant has not been reported in the literature in individuals affected with NOD2-related conditions. Advanced modeling of protein sequence and biophysical properties (such as structural, functional, and spatial information, amino acid conservation, physicochemical variation, residue mobility, and thermodynamic stability) performed at Invitae indicates that this missense variant is not expected to disrupt NOD2 protein function. This sequence change replaces leucine, which is neutral and non-polar, with phenylalanine, which is neutral and non-polar, at codon 308 of the NOD2 protein (p.Leu308Phe). In summary, the available evidence is currently insufficient to determine the role of this variant in disease. Therefore, it has been classified as a Variant of Uncertain Significance.